The following is an entry in ClinVar:

ClinVar aggregate classification (germline): Uncertain significance. Review status: criteria provided, multiple submitters, no conflicts (2 of 4 stars). 2 submissions from 2 submitters: Uncertain significance (2). Last evaluated 2023-07-15.

Conditions:
Severe combined immunodeficiency due to DNA-PKcs deficiency. Also called: IMMUNODEFICIENCY 26 WITH NEUROLOGIC ABNORMALITIES; Immunodeficiency 26 with or without neurologic abnormalities. Identifiers: Orphanet 317425, MedGen C4014833, MONDO:0014423, OMIM 615966.

Submissions (2):

Ambry Genetics
Classification: Uncertain significance. Last evaluated: 2023-07-15. Review status: criteria provided, single submitter. Criteria: Ambry Variant Classification Scheme 2023. Collection method: clinical testing. Allele origin: germline.
Comment: The p.P737Q variant (also known as c.2210C>A), located in coding exon 20 of the PRKDC gene, results from a C to A substitution at nucleotide position 2210. The proline at codon 737 is replaced by glutamine, an amino acid with similar properties. This amino acid position is conserved. In addition, the in silico prediction for this alteration is inconclusive. Since supporting evidence is limited at this time, the clinical significance of this alteration remains unclear.

Labcorp Genetics (formerly Invitae), Labcorp
Classification: Uncertain significance for Severe combined immunodeficiency due to DNA-PKcs deficiency. Last evaluated: 2021-10-28. Review status: criteria provided, single submitter. Criteria: Invitae Variant Classification Sherloc (09022015). Collection method: clinical testing. Allele origin: germline.
Comment: Experimental studies and prediction algorithms are not available or were not evaluated, and the functional significance of this variant is currently unknown. In summary, the available evidence is currently insufficient to determine the role of this variant in disease. Therefore, it has been classified as a Variant of Uncertain Significance. This variant has not been reported in the literature in individuals affected with PRKDC-related conditions. This variant is not present in population databases (gnomAD no frequency). This sequence change replaces proline, which is neutral and non-polar, with glutamine, which is neutral and polar, at codon 737 of the PRKDC protein (p.Pro737Gln).

NM_006904.7(PRKDC):c.2210C>A (p.Pro737Gln)

Gene: PRKDC (protein kinase, DNA-activated, catalytic subunit; minus strand). Cytogenetic location: 8q11.21.
Variant type: single nucleotide variant.
Coding change: c.2210C>A on transcript NM_006904.7 (MANE Select); coding-DNA position 2210, C replaced by A.
Protein change: p.Pro737Gln; replaces proline 737 with glutamine.
Molecular consequence: missense variant.
Genome position (GRCh38, 1-based): chr8:47,927,820, G>T on the plus strand (C>A on the coding strand, the complement: PRKDC is on the minus strand). VCF-style: chr8-47927820-G-T. GRCh37 (hg19) VCF-style: chr8-48840380-G-T.
Other names: c.2210C>A, p.Pro737Gln (NM_001081640.2); c.2210C>A (NM_006904.6); short protein forms P737Q.
Identifiers: ClinVar variation 1373055 (VCV001373055.7), dbSNP rs2154503436, ClinGen allele CA371162641.